The following is an entry in ClinVar:

ClinVar aggregate classification (germline): Likely benign. Review status: criteria provided, multiple submitters, no conflicts (2 of 4 stars). 2 submissions from 2 submitters: Likely benign (2). Last evaluated 2026-09-11.

Conditions:
FLRT1-related disorder. Also called: FLRT1-related condition.
Peripheral neuropathy. Also called: Neuropathy. Identifiers: MedGen C0031117, MONDO:0005244, HP:0009830.

Allele frequency attached by ClinVar (database versions not stated): gnomAD exomes 0.00151 and 0.00227; 1000 Genomes Project 30x 0.00156; 1000 Genomes Project 0.00160; TOPMed 0.00161; gnomAD 0.00166 and 0.00169; ExAC 0.00180; ESP Exome Variant Server 0.00208.
gnomAD v4.1: 3,550 of 1,613,004 alleles (0.22%); highest among the groups gnomAD compares: Non-Finnish European, 0.26%; 4 homozygotes.

Submissions (2):

PreventionGenetics, part of Exact Sciences
Classification: Likely benign for FLRT1-related condition. Last evaluated: 2026-09-11. Review status: criteria provided, single submitter. Criteria: ACMG Guidelines, 2015. Collection method: clinical testing. Allele origin: germline.
Comment: This variant is classified as likely benign based on ACMG/AMP sequence variant interpretation guidelines (Richards et al. 2015 PMID: 25741868, with internal and published modifications).

Labcorp Genetics (formerly Invitae), Labcorp
Classification: Likely benign for Peripheral neuropathy. Last evaluated: 2024-02-17. Review status: criteria provided, single submitter. Criteria: Invitae Variant Classification Sherloc (09022015). Collection method: clinical testing. Allele origin: germline.

NM_013280.5(FLRT1):c.1184C>T (p.Thr395Met)

Genes: FLRT1 (fibronectin leucine rich transmembrane protein 1; plus strand), MACROD1 (mono-ADP ribosylhydrolase 1; minus strand). Cytogenetic location: 11q13.1.
Variant type: single nucleotide variant.
Coding change: c.1184C>T on transcript NM_013280.5 (MANE Select); coding-DNA position 1184, C replaced by T.
Protein change: p.Thr395Met; replaces threonine 395 with methionine.
Molecular consequence: missense variant. On other transcripts: intron variant (2).
Genome position (GRCh38, 1-based): chr11:64,117,451, C>T. VCF-style: chr11-64117451-C-T. GRCh37 (hg19) VCF-style: chr11-63884923-C-T.
Other names: c.1184C>T, p.Thr395Met (NM_001384466.1); c.1100C>T, p.Thr367Met (NM_001423967.1); c.517+33788G>A (NM_001411019.1, NM_014067.4); short protein forms T395M, T367M.
Identifiers: ClinVar variation 461793 (VCV000461793.14), dbSNP rs138676741, ClinGen allele CA6067649.